The following is an entry in ClinVar:

NM_004360.5(CDH1):c.2296-14T>C

Gene: CDH1 (cadherin 1; plus strand). Cytogenetic location: 16q22.1.
Variant type: single nucleotide variant.
Coding change: c.2296-14T>C on transcript NM_004360.5 (MANE Select); 14 bases into the intron before coding-DNA position 2296, T replaced by C.
Molecular consequence: intron variant.
Genome position (GRCh38, 1-based): chr16:68,829,640, T>C. VCF-style: chr16-68829640-T-C. GRCh37 (hg19) VCF-style: chr16-68863543-T-C.
Other names: c.2296-14T>C (LRG_301t1); c.748-14T>C (NM_001317185.2); c.331-14T>C (NM_001317186.2); c.2113-14T>C (NM_001317184.2).
Identifiers: ClinVar variation 491526 (VCV000491526.14), dbSNP rs755950355, ClinGen allele CA8130254.
Genomic context (GRCh38, chr16:68,829,640, plus strand): 5'-AACTGAACATAGCCCTGTGTGTATGACTATTTCTTTCCTACTCTTCATTGTACTTCAACC[T>C]TTTTTCTCCAAAGGACTTTGACTTGAGCCAGCTGCACAGGGGCCTGGACGCTCGGCCTGA-3'

ClinVar aggregate classification (germline): Conflicting classifications of pathogenicity. Review status: criteria provided, conflicting classifications (1 of 4 stars). 7 submissions from 7 submitters: Uncertain significance (1); Likely benign (5). 1 of the submissions does not count toward it. Last evaluated 2025-11-05.

Conditions:
Hereditary cancer-predisposing syndrome. Also called: Tumor predisposition; Hereditary Cancer Syndrome; Neoplastic Syndromes, Hereditary; Hereditary neoplastic syndrome. Identifiers: Orphanet 140162, MedGen C0027672, MeSH D009386, MONDO:0015356.
Hereditary diffuse gastric adenocarcinoma (HDGC). Also called: DIFFUSE GASTRIC AND LOBULAR BREAST CANCER SYNDROME. Identifiers: Orphanet 26106, MedGen C1708349, MONDO:0007648, OMIM 137215.

Allele frequency attached by ClinVar (database versions not stated): ExAC 0.00001; gnomAD exomes 0.00002; TOPMed 0.00004.
gnomAD v4.1: 12 of 1,612,856 alleles (0.00074%); highest among the groups gnomAD compares: African/African-American, 0.0013%; no homozygotes.

Submissions (7):

Labcorp Genetics (formerly Invitae), Labcorp
Classification: Likely benign for Hereditary diffuse gastric adenocarcinoma. Last evaluated: 2025-11-05. Review status: criteria provided, single submitter. Criteria: Invitae Variant Classification Sherloc (09022015). Collection method: clinical testing. Allele origin: germline.

Blueprint Genetics
Classification: Likely benign. Last evaluated: 2024-11-22. Review status: criteria provided, single submitter. Criteria: ACMG Guidelines, 2015. Collection method: clinical testing. Allele origin: germline.

Myriad Genetics, Inc.
Classification: Likely benign for Hereditary diffuse gastric adenocarcinoma. Last evaluated: 2024-09-23. Review status: criteria provided, single submitter. Criteria: Myriad Autosomal Dominant, Autosomal Recessive and X-Linked Classification Criteria (2023). Collection method: clinical testing. Allele origin: unknown.
Comment: This variant is considered likely benign. This variant is intronic and is not expected to impact mRNA splicing.

European Reference Network on Genetic Tumour Risk Syndromes (ERN-GENTURIS), i3s - Instituto de Investigação e Inovação em Saúde, University of Porto
Classification: Uncertain significance for Hereditary diffuse gastric adenocarcinoma. Last evaluated: 2022-08-01. Review status: criteria provided, single submitter. Criteria: Lee et al. (Hum Mutat. 2018). Collection method: clinical testing. Allele origin: germline. Inheritance: Autosomal dominant inheritance. Affected: no. Study: ERN GENTURIS.
Comment: Not applicable criteria (PMID: 30311375)

GeneDx
Classification: Likely benign. Last evaluated: 2017-01-18. Review status: criteria provided, single submitter. Criteria: GeneDx Variant Classification (06012015). Collection method: clinical testing. Allele origin: germline. Affected: yes.
Comment: This variant is considered likely benign or benign based on one or more of the following criteria: it is a conservative change, it occurs at a poorly conserved position in the protein, it is predicted to be benign by multiple in silico algorithms, and/or has population frequency not consistent with disease.

Color Diagnostics, LLC DBA Color Health
Classification: Likely benign for Hereditary cancer-predisposing syndrome. Last evaluated: 2015-11-02. Review status: criteria provided, single submitter. Criteria: ACMG Guidelines, 2015. Collection method: clinical testing. Allele origin: germline.

Department of Pathology and Laboratory Medicine, Sinai Health System
Classification: Likely benign. Review status: no assertion criteria provided. Collection method: clinical testing. Allele origin: unknown. Affected: yes. Study: The Canadian Open Genetics Repository (COGR). Not counted in ClinVar's aggregate classification.
Comment: The CDH1 c.2296-14T>C was not identified in the literature nor was it identified in the dbSNP, Cosmic, MutDB, Insight Colon Cancer Gene Variant, and Zhejiang Colon Cancer databases. The variant was also not identified in the 1000 Genomes and the NHLBI GO Exome Sequencing Projects.The variant was identified in the ClinVar database as likely benign by Color Genomics and GeneDx. The variant was identified in control databases in 5 of 245670 chromosomes at a frequency of 0.00002 (Genome Aggregation Database Feb 27, 2017). Breakdown of the observations by population include Other in 2 of 5476 chromosomes (freq: 0.0004), European Non-Finnish in 3 of 111404 chromosomes (freq: 0.00003), while the variant was not observed in the African, Latino, Ashkenazi Jewish, East Asian, European Finnish, and South Asian populations. The variant occurs outside of the splicing consensus sequence and in silico or computational prediction software programs (SpliceSiteFinder, MaxEntScan, NNSPLICE, GeneSplicer, HumanSpliceFinder) do not predict a difference in splicing. In summary, based on the above information the clinical significance of this variant cannot be determined with certainty at this time although we would lean towards a more benign role for this variant. This variant is classified as likely benign.

Literature cited by the submitters: PubMed 36436516 (cited by European Reference Network on Genetic Tumour Risk Syndromes (ERN-GENTURIS), i3s - Instituto de Investigação e Inovação em Saúde, University of Porto).